The following is an entry in ClinVar:

NM_000067.3(CA2):c.311G>T (p.Gly104Val)

Gene: CA2 (carbonic anhydrase 2; plus strand). Cytogenetic location: 8q21.2.
Variant type: single nucleotide variant.
Coding change: c.311G>T on transcript NM_000067.3 (MANE Select); coding-DNA position 311, G replaced by T.
Protein change: p.Gly104Val; replaces glycine 104 with valine.
Molecular consequence: missense variant. On other transcripts: intron variant (1).
Genome position (GRCh38, 1-based): chr8:85,473,771, G>T. VCF-style: chr8-85473771-G-T. GRCh37 (hg19) VCF-style: chr8-86386000-G-T.
Other names: c.49-553G>T (NM_001293675.2); short protein forms G104V.
Identifiers: ClinVar variation 1030577 (VCV001030577.1), dbSNP rs760867064, ClinGen allele CA4796473.
Genomic context (GRCh38, chr8:85,473,771, plus strand): 5'-TGGATGGCACTTACAGATTGATTCAGTTTCACTTTCACTGGGGTTCACTTGATGGACAAG[G>T]TTCAGAGCATACTGTGGATAAAAAGAAATATGCTGCAGAAGTAAGATATACTTTTTTTTT-3'
Protein context (NP_000058.1, residues 94-114): HFHWGSLDGQ[Gly104Val]SEHTVDKKKY

ClinVar aggregate classification (germline): Uncertain significance (1 of 4 stars; one submission).

Conditions:
Osteopetrosis with renal tubular acidosis (OPTB3). Also called: Autosomal recessive osteopetrosis 3. Identifiers: Orphanet 2785, MedGen C0345407, MONDO:0009818, OMIM 259730.

Allele frequency attached by ClinVar (database versions not stated): gnomAD exomes below 0.00001 and 0.00001.
gnomAD v4.1: 2 of 1,609,746 alleles (0.00012%); highest among the groups gnomAD compares: Non-Finnish European, 0.00017%; no homozygotes.

Submission:

Baylor Genetics
Classification: Uncertain significance for Osteopetrosis with renal tubular acidosis. Last evaluated: 2020-01-17. Review status: criteria provided, single submitter. Criteria: ACMG Guidelines, 2015. Collection method: clinical testing. Allele origin: unknown. Affected: yes.
Comment: This variant was determined to be of uncertain significance according to ACMG Guidelines, 2015 [PMID:25741868].